The following is an entry in ClinVar:

NM_001270508.2(TNFAIP3):c.2318C>A (p.Ala773Asp)

Gene: TNFAIP3 (TNF alpha induced protein 3; plus strand). Cytogenetic location: 6q23.3.
Variant type: single nucleotide variant.
Coding change: c.2318C>A on transcript NM_001270508.2 (MANE Select); coding-DNA position 2318, C replaced by A.
Protein change: p.Ala773Asp; replaces alanine 773 with aspartic acid.
Molecular consequence: missense variant.
Genome position (GRCh38, 1-based): chr6:137,881,264, C>A. VCF-style: chr6-137881264-C-A. GRCh37 (hg19) VCF-style: chr6-138202401-C-A.
Other names: c.2318C>A, p.Ala773Asp (NM_001270507.2, NM_006290.4); short protein forms A773D.
Identifiers: ClinVar variation 3615589 (VCV003615589.2).

ClinVar aggregate classification (germline): Uncertain significance (1 of 4 stars; one submission).

Submission:

Labcorp Genetics (formerly Invitae), Labcorp
Classification: Uncertain significance. Last evaluated: 2025-10-15. Review status: criteria provided, single submitter. Criteria: Invitae Variant Classification Sherloc (09022015). Collection method: clinical testing. Allele origin: germline.
Comment: This sequence change replaces alanine, which is neutral and non-polar, with aspartic acid, which is acidic and polar, at codon 773 of the TNFAIP3 protein (p.Ala773Asp). This variant is present in population databases (rs750153407, gnomAD 0.002%). This variant has not been reported in the literature in individuals affected with TNFAIP3-related conditions. ClinVar contains an entry for this variant (Variation ID: 3615589). An algorithm developed to predict the effect of missense changes on protein structure and function (PolyPhen-2) suggests that this variant is likely to be tolerated. In summary, the available evidence is currently insufficient to determine the role of this variant in disease. Therefore, it has been classified as a Variant of Uncertain Significance.